The following is an entry in ClinVar:

ClinVar aggregate classification (germline): Uncertain significance (1 of 4 stars; one submission).

Allele frequency attached by ClinVar (database versions not stated): gnomAD 0.00001; gnomAD exomes 0.00001; TOPMed 0.00001; ExAC 0.00003.
gnomAD v4.1: 7 of 1,613,894 alleles (0.00043%); highest among the groups gnomAD compares: Admixed American, 0.01%; no homozygotes.

Submission:

Labcorp Genetics (formerly Invitae), Labcorp
Classification: Uncertain significance. Last evaluated: 2022-11-28. Review status: criteria provided, single submitter. Criteria: Invitae Variant Classification Sherloc (09022015). Collection method: clinical testing. Allele origin: germline.
Comment: In summary, the available evidence is currently insufficient to determine the role of this variant in disease. Therefore, it has been classified as a Variant of Uncertain Significance. Algorithms developed to predict the effect of missense changes on protein structure and function output the following: SIFT: "Tolerated"; PolyPhen-2: "Benign"; Align-GVGD: "Class C0". The alanine amino acid residue is found in multiple mammalian species, which suggests that this missense change does not adversely affect protein function. This sequence change replaces valine, which is neutral and non-polar, with alanine, which is neutral and non-polar, at codon 37 of the AKR1C4 protein (p.Val37Ala). This variant is present in population databases (rs782579157, gnomAD 0.02%). This variant has not been reported in the literature in individuals affected with AKR1C4-related conditions.

NM_001818.5(AKR1C4):c.110T>C (p.Val37Ala)

Gene: AKR1C4 (aldo-keto reductase family 1 member C4; plus strand). Cytogenetic location: 10p15.1.
Variant type: single nucleotide variant.
Coding change: c.110T>C on transcript NM_001818.5 (MANE Select); coding-DNA position 110, T replaced by C.
Protein change: p.Val37Ala; replaces valine 37 with alanine.
Molecular consequence: missense variant.
Genome position (GRCh38, 1-based): chr10:5,200,206, T>C. VCF-style: chr10-5200206-T-C. GRCh37 (hg19) VCF-style: chr10-5242169-T-C.
Other names: short protein forms V37A.
Identifiers: ClinVar variation 2719175 (VCV002719175.3), dbSNP rs782579157, ClinGen allele CA5391283.